The following is an entry in ClinVar:

NM_001199397.3(NEK1):c.1021G>A (p.Ala341Thr)

Gene: NEK1 (NIMA related kinase 1; minus strand). Cytogenetic location: 4q33.
Variant type: single nucleotide variant.
Coding change: c.1021G>A on transcript NM_001199397.3 (MANE Select); coding-DNA position 1021, G replaced by A.
Protein change: p.Ala341Thr; replaces alanine 341 with threonine.
Molecular consequence: missense variant. On other transcripts: non-coding transcript variant (2).
Genome position (GRCh38, 1-based): chr4:169,562,196, C>T on the plus strand (G>A on the coding strand, the complement: NEK1 is on the minus strand). VCF-style: chr4-169562196-C-T. GRCh37 (hg19) VCF-style: chr4-170483347-C-T.
Other names: c.1021G>A, p.Ala341Thr (NM_001199398.3, NM_001199399.3, NM_001199400.3 and 7 more transcripts); short protein forms A341T.
Identifiers: ClinVar variation 266046 (VCV000266046.63), dbSNP rs189186475, ClinGen allele CA3137876.

ClinVar aggregate classification (germline): Conflicting classifications of pathogenicity. Review status: criteria provided, conflicting classifications (1 of 4 stars). 12 submissions from 12 submitters: Uncertain significance (6); Likely benign (6). Last evaluated 2026-04-01.

Conditions:
Connective tissue disorder. Also called: Connective tissue disease. Identifiers: MedGen C0009782, MONDO:0003900.
NEK1-related disorder. Also called: NEK1-related condition.
Motor neuron disease. Also called: Degenerative motor system disease; Motor neuron disorder. Identifiers: Orphanet 98503, MedGen C0085084, MONDO:0020128.
Short-rib thoracic dysplasia 6 with or without polydactyly (SRTD6). Also called: SHORT-RIB THORACIC DYSPLASIA 6 WITH POLYDACTYLY; SHORT-RIB THORACIC DYSPLASIA 6 WITHOUT POLYDACTYLY; POLYDACTYLY WITH NEONATAL CHONDRODYSTROPHY, TYPE II; SHORT RIB-POLYDACTYLY SYNDROME, TYPE IIA; Majewski Syndrome. Identifiers: MedGen C0024507, MONDO:0009894, OMIM 263520.

Allele frequency attached by ClinVar (database versions not stated): 1000 Genomes Project 30x 0.00031; ExAC 0.00112; gnomAD exomes 0.00167; ESP Exome Variant Server 0.00173; TOPMed 0.00190; gnomAD 0.00214 and 0.00227.
gnomAD v4.1: 4,543 of 1,527,934 alleles (0.3%); highest among the groups gnomAD compares: Non-Finnish European, 0.36%; 9 homozygotes.

Submissions (12):

CeGaT Center for Human Genetics Tuebingen
Classification: Likely benign. Last evaluated: 2026-04-01. Review status: criteria provided, single submitter. Criteria: CeGaT Center For Human Genetics Tuebingen Variant Classification Criteria Version 2. Collection method: clinical testing. Allele origin: germline. Affected: yes. Observed: 5 variant alleles.
Comment: NEK1: BP4

Labcorp Genetics (formerly Invitae), Labcorp
Classification: Likely benign for Short-rib thoracic dysplasia 6 with or without polydactyly. Last evaluated: 2026-01-19. Review status: criteria provided, single submitter. Criteria: Invitae Variant Classification Sherloc (09022015). Collection method: clinical testing. Allele origin: germline.

PreventionGenetics, part of Exact Sciences
Classification: Likely benign for NEK1-related condition. Last evaluated: 2025-08-06. Review status: criteria provided, single submitter. Criteria: ACMG Guidelines, 2015. Collection method: clinical testing. Allele origin: germline.
Comment: This variant is classified as likely benign based on ACMG/AMP sequence variant interpretation guidelines (Richards et al. 2015 PMID: 25741868, with internal and published modifications).

Blueprint Genetics
Classification: Uncertain significance. Last evaluated: 2024-11-22. Review status: criteria provided, single submitter. Criteria: ACMG Guidelines, 2015. Collection method: clinical testing. Allele origin: germline.

ARUP Laboratories, Molecular Genetics and Genomics, ARUP Laboratories
Classification: Likely benign. Last evaluated: 2024-11-21. Review status: criteria provided, single submitter. Criteria: ARUP Molecular Germline Variant Investigation Process 2024. Collection method: clinical testing. Allele origin: germline.

GeneDx
Classification: Likely benign. Last evaluated: 2020-08-06. Review status: criteria provided, single submitter. Criteria: GeneDx Variant Classification Process June 2021. Collection method: clinical testing. Allele origin: germline. Affected: yes.
Comment: This variant is associated with the following publications: (PMID: 28935222, 28089114, 30755392)

Genome Diagnostics Laboratory, The Hospital for Sick Children
Classification: Likely benign for Connective tissue disorder. Last evaluated: 2020-03-01. Review status: criteria provided, single submitter. Criteria: ACMG Guidelines, 2015. Collection method: clinical testing. Allele origin: germline.

Center for Personalized Medicine, Children's Hospital Los Angeles
Classification: Uncertain significance. Last evaluated: 2018-11-19. Review status: criteria provided, single submitter. Criteria: ACMG Guidelines, 2015. Collection method: clinical testing. Allele origin: germline. Affected: yes.

Illumina Laboratory Services, Illumina
Classification: Uncertain significance for Short-rib thoracic dysplasia 6 with or without polydactyly. Last evaluated: 2018-01-13. Review status: criteria provided, single submitter. Criteria: ICSL Variant Classification Criteria 13 December 2019. Collection method: clinical testing. Allele origin: germline.

Genetic Services Laboratory, University of Chicago
Classification: Uncertain significance. Last evaluated: 2016-12-09. Review status: criteria provided, single submitter. Criteria: ACMG Guidelines, 2015. Collection method: clinical testing. Allele origin: germline. Affected: no.

Centre for Genomic and Experimental Medicine, University of Edinburgh
Classification: Uncertain significance for Motor neuron disease. Last evaluated: 2016-08-31. Review status: criteria provided, single submitter. Criteria: Submitter's publication. Collection method: case-control. Allele origin: unknown. Affected: yes and no. Observed: 7 heterozygotes.

Eurofins Ntd Llc (ga)
Classification: Uncertain significance. Last evaluated: 2015-10-12. Review status: criteria provided, single submitter. Criteria: EGL Classification Definitions 2015. Collection method: clinical testing. Allele origin: germline. Observed: 2 variant alleles, 2 heterozygotes.

Literature cited by the submitters: PubMed 28089114 (cited by Centre for Genomic and Experimental Medicine, University of Edinburgh).